The following is an entry in ClinVar:

ClinVar aggregate classification (germline): Pathogenic (1 of 4 stars; one submission).

Conditions:
Multiple endocrine neoplasia, type 1 (MEN1). Also called: MEN I; WERMER SYNDROME; Endocrine adenomatosis multiple; MEN 1; MEA I. Identifiers: Orphanet 652, MedGen C0025267, MeSH D018761, MONDO:0007540, OMIM 131100.

Submission:

Labcorp Genetics (formerly Invitae), Labcorp
Classification: Pathogenic for Multiple endocrine neoplasia, type 1. Last evaluated: 2018-06-23. Review status: criteria provided, single submitter. Criteria: Invitae Variant Classification Sherloc (09022015). Collection method: clinical testing. Allele origin: germline.
Comment: For these reasons, this variant has been classified as Pathogenic. This frameshift change truncates the functionally conserved NLS2 domain of the MEN1 protein. Experimental studies have shown that disruption of this region abrogates the ability of MEN1 to bind DNA, regulate target gene expression, and inhibit cell proliferation (PMID: 15331604, 16449969). In addition, a different truncation (p.Lys559Glufs*38) that lies downstream of this variant has been determined to be pathogenic (PMID: 10090472). This suggests that deletion of this region of the MEN1 protein is causative of disease. This variant has not been reported in the literature in individuals with MEN1-related disease. This variant is not present in population databases (ExAC no frequency). This sequence change results in a premature translational stop signal in the MEN1 gene (p.Gln453Alafs*78). While this is not anticipated to result in nonsense mediated decay, it is expected to disrupt the last 158 amino acids of the MEN1 protein.

Literature cited by the submitters: PubMed 15331604; PubMed 16449969; PubMed 10090472.

NM_001370259.2(MEN1):c.1356dup (p.Gln453fs)

Gene: MEN1 (menin 1; minus strand). Cytogenetic location: 11q13.1.
Variant type: Duplication.
Coding change: c.1356dup on transcript NM_001370259.2 (MANE Select); coding-DNA position 1356, one base duplicated (G; older notation c.1356dupG).
Protein change: p.Gln453fs; shifts the reading frame from glutamine 453.
Molecular consequence: frameshift variant.
Genome position (GRCh38, 1-based): chr11:64,804,811, C duplicated on the plus strand (G on the coding strand, the reverse complement: MEN1 is on the minus strand); the first of 2 consecutive C bases (chr11:64,804,811-64,804,812); duplicating either gives the same sequence. VCF-style (leftmost placement, unchanged base first): chr11-64804810-G-GC. GRCh37 (hg19) VCF-style: chr11-64572282-G-GC.
Other names: c.1371dup, p.Gln458fs (NM_000244.4, NM_130800.3, NM_130801.3 and 3 more transcripts); c.1482dup, p.Gln495fs (NM_001370251.2); c.1356dup, p.Gln453fs (NM_001370260.2, NM_001370261.2, NM_130799.3); c.1251dup, p.Gln418fs (NM_001370262.2, NM_001370263.2); short protein forms Q418fs, Q453fs, Q458fs, Q495fs.
Identifiers: ClinVar variation 1073205 (VCV001073205.10), dbSNP rs2136094331, ClinGen allele CA2499221145.